The following is an entry in ClinVar:

ClinVar aggregate classification (germline): Uncertain significance (1 of 4 stars; one submission).

Submission:

Women's Health and Genetics/Laboratory Corporation of America, LabCorp
Classification: Uncertain significance. Last evaluated: 2024-06-10. Review status: criteria provided, single submitter. Criteria: LabCorp Variant Classification Summary - May 2015. Collection method: clinical testing. Allele origin: germline.
Comment: Variant summary: EP300 c.715C>T (p.Pro239Ser) results in a non-conservative amino acid change in the encoded protein sequence. Three of five in-silico tools predict a damaging effect of the variant on protein function. The variant was absent in 250332 control chromosomes. The available data on variant occurrences in the general population are insufficient to allow any conclusion about variant significance. To our knowledge, no occurrence of c.715C>T in individuals affected with Rubinstein-Taybi Syndrome 2 and no experimental evidence demonstrating its impact on protein function have been reported. No submitters have cited clinical-significance assessments for this variant to ClinVar. Based on the evidence outlined above, the variant was classified as uncertain significance.

NM_001429.4(EP300):c.715C>T (p.Pro239Ser)

Gene: EP300 (E1A binding protein p300; plus strand). Cytogenetic location: 22q13.2.
Variant type: single nucleotide variant.
Coding change: c.715C>T on transcript NM_001429.4 (MANE Select); coding-DNA position 715, C replaced by T.
Protein change: p.Pro239Ser; replaces proline 239 with serine.
Molecular consequence: missense variant.
Genome position (GRCh38, 1-based): chr22:41,117,807, C>T. VCF-style: chr22-41117807-C-T. GRCh37 (hg19) VCF-style: chr22-41513811-C-T.
Other names: c.715C>T, p.Pro239Ser (NM_001362843.2); short protein forms P239S.
Identifiers: ClinVar variation 3339627 (VCV003339627.1).